The following is an entry in ClinVar:

ClinVar aggregate classification (germline): Uncertain significance. Review status: criteria provided, single submitter (1 of 4 stars). 2 submissions from 2 submitters: Uncertain significance (1). 1 of the submissions does not count toward it. Last evaluated 2025-01-21.

Submissions (2):

Women's Health and Genetics/Laboratory Corporation of America, LabCorp
Classification: Uncertain significance. Last evaluated: 2025-01-21. Review status: criteria provided, single submitter. Criteria: LabCorp Variant Classification Summary - May 2015. Collection method: clinical testing. Allele origin: germline.
Comment: Variant summary: ARSA c.290G>A (p.Ser97Asn) results in a conservative amino acid change in the encoded protein sequence. Four of four in-silico tools predict a benign effect of the variant on protein function. The variant was absent in 208510 control chromosomes. The available data on variant occurrences in the general population are insufficient to allow any conclusion about variant significance. c.290G>A has been reported in the literature in at least one compound heterozygous individual affected with infantile metachromatic leukodystrophy (e.g., Draghia_1997). These data do not allow any conclusion about variant significance. To our knowledge, no experimental evidence demonstrating an impact on protein function has been reported. The following publication has been ascertained in the context of this evaluation (PMID: 9090526). ClinVar contains an entry for this variant (Variation ID: 68128). Based on the evidence outlined above, the variant was classified as uncertain significance.

UniProtKB/Swiss-Prot
No classification provided. Review status: no classification provided. Collection method: not provided. Allele origin: not provided. Not counted in ClinVar's aggregate classification.

Literature cited by the submitters: PubMed 9090526 (cited by Women's Health and Genetics/Laboratory Corporation of America, LabCorp).

NM_000487.6(ARSA):c.290G>A (p.Ser97Asn)

Gene: ARSA (arylsulfatase A; minus strand). Cytogenetic location: 22q13.33.
Variant type: single nucleotide variant.
Coding change: c.290G>A on transcript NM_000487.6 (MANE Select); coding-DNA position 290, G replaced by A.
Protein change: p.Ser97Asn; replaces serine 97 with asparagine.
Molecular consequence: missense variant.
Genome position (GRCh38, 1-based): chr22:50,627,341, C>T on the plus strand (G>A on the coding strand, the complement: ARSA is on the minus strand). VCF-style: chr22-50627341-C-T. GRCh37 (hg19) VCF-style: chr22-51065769-C-T.
Other names: c.290G>A, p.Ser97Asn (NM_001085425.3, NM_001085426.3, NM_001085427.3); c.32G>A, p.Ser11Asn (NM_001085428.3, NM_001362782.2); short protein forms S97N, S11N.
Identifiers: ClinVar variation 68128 (VCV000068128.3), dbSNP rs199476363, ClinGen allele CA219012.
Genomic context (GRCh38, chr22:50,627,341, plus strand): 5'-CCTCGGGCAGCCAGGACTTCGGCCACGGTCACCTCCTCCAGGGGCAGGCCCCCCCGGGAG[C>T]TGGGCACCAGGACGCCAGGGTACATGCCCATCCGAACCGGGAGCCGGCCGGTCAGGAGGG-3'
Protein context (NP_000478.3, residues 87-107): MGMYPGVLVP[Ser97Asn]SRGGLPLEEV